The following is an entry in ClinVar:

NC_000002.11:g.(?_219934078)_(220023085_220025441)dup

Gene: NHEJ1 (non-homologous end joining factor 1; minus strand). Cytogenetic location: 2q35.
Variant type: Duplication.
Identifiers: ClinVar variation 4848374 (VCV004848374.1).

ClinVar aggregate classification (germline): Uncertain significance (1 of 4 stars; one submission).

Submission:

Women's Health and Genetics/Laboratory Corporation of America, LabCorp
Classification: Uncertain significance. Last evaluated: 2026-04-29. Review status: criteria provided, single submitter. Criteria: LabCorp Variant Classification Summary - May 2015. Collection method: clinical testing. Allele origin: germline.
Comment: Variant summary: The variant involves the duplication of exons 2-8 in the NHEJ1 gene. A presumed nomenclature of c.(-1+1_1-1)_(*7025_?)dup has been designated for the purposes of this classification. This duplication includes the entire coding sequence of the gene. As exact breakpoints are unknown, it may extend beyond the annotated region of the gene, to include other flanking genes. The variant was absent in 21694 control chromosomes. The available data on variant occurrences in the general population are insufficient to allow any conclusion about variant significance. To our knowledge, no occurrence of c.(-1+1_1-1)_(*7025_?)dup in individuals affected with NHEJ1-related conditions and no experimental evidence demonstrating its impact on protein function have been reported. No submitters have cited clinical-significance assessments for this variant to ClinVar. Based on the evidence outlined above, the variant was classified as uncertain significance.